The following is an entry in ClinVar:

ClinVar aggregate classification (germline): Uncertain significance (1 of 4 stars; one submission).

Conditions:
Cardiovascular phenotype. Identifiers: MedGen CN230736.

Submission:

Ambry Genetics
Classification: Uncertain significance for Cardiovascular phenotype. Last evaluated: 2026-06-27. Review status: criteria provided, single submitter. Criteria: Ambry Variant Classification Scheme 2023. Collection method: clinical testing. Allele origin: germline.
Comment: The p.T1862S variant (also known as c.5584A>T), located in coding exon 14 of the TNXB gene, results from an A to T substitution at nucleotide position 5584. The threonine at codon 1862 is replaced by serine, an amino acid with similar properties. This amino acid position is conserved. In addition, this alteration is predicted to be tolerated by in silico analysis. Based on the available evidence, the clinical significance of this variant remains unclear.

NM_001365276.2(TNXB):c.5584A>T (p.Thr1862Ser)

Gene: TNXB (tenascin XB; minus strand). Cytogenetic location: 6p21.33.
Variant type: single nucleotide variant.
Coding change: c.5584A>T on transcript NM_001365276.2 (MANE Select); coding-DNA position 5584, A replaced by T.
Protein change: p.Thr1862Ser; replaces threonine 1862 with serine.
Molecular consequence: missense variant.
Genome position (GRCh38, 1-based): chr6:32,069,556, T>A on the plus strand (A>T on the coding strand, the complement: TNXB is on the minus strand). VCF-style: chr6-32069556-T-A. GRCh37 (hg19) VCF-style: chr6-32037333-T-A.
Other names: c.6325A>T, p.Thr2109Ser (NM_001428335.1); c.5584A>T, p.Thr1862Ser (NM_019105.8); short protein forms T2109S, T1862S.
Identifiers: ClinVar variation 5031013 (VCV005031013.1).